The following is an entry in ClinVar:

NM_001111.5(ADAR):c.3556A>G (p.Lys1186Glu)

Gene: ADAR (adenosine deaminase RNA specific; minus strand). Cytogenetic location: 1q21.3.
Variant type: single nucleotide variant.
Coding change: c.3556A>G on transcript NM_001111.5 (MANE Select); coding-DNA position 3556, A replaced by G.
Protein change: p.Lys1186Glu; replaces lysine 1186 with glutamic acid.
Molecular consequence: missense variant.
Genome position (GRCh38, 1-based): chr1:154,584,931, T>C on the plus strand (A>G on the coding strand, the complement: ADAR is on the minus strand). VCF-style: chr1-154584931-T-C. GRCh37 (hg19) VCF-style: chr1-154557407-T-C.
Other names: c.2671A>G, p.Lys891Glu (NM_001025107.3, NM_001193495.2, NM_001365046.1 and 2 more transcripts); c.3583A>G, p.Lys1195Glu (NM_001365045.1); c.2593A>G, p.Lys865Glu (NM_001365049.1); c.3478A>G, p.Lys1160Glu (NM_015840.4); c.3421A>G, p.Lys1141Glu (NM_015841.4); short protein forms K1141E, K1160E, K1186E, K1195E, K865E, K891E.
Identifiers: ClinVar variation 1303192 (VCV001303192.2), dbSNP rs2101557212, ClinGen allele CA342634704.
Genomic context (GRCh38, chr1:154,584,931, plus strand): 5'-TATCCTTCAGGCCTTTTTTGAAGTAGTTCTTGGCCGTCTCGTAGTCACGGGCAGCTTTCT[T>C]GGCCTCACCATAGGAGAGTCTCAGTAGATCCCTGCGGTAACGGAAGGAGCAGAGCTTCTT-3'
Protein context (NP_001102.3, residues 1176-1196): DLLRLSYGEA[Lys1186Glu]KAARDYETAK

ClinVar aggregate classification (germline): Uncertain significance (1 of 4 stars; one submission).

Submission:

GeneDx
Classification: Uncertain significance. Last evaluated: 2021-04-09. Review status: criteria provided, single submitter. Criteria: GeneDx Variant Classification Process June 2021. Collection method: clinical testing. Allele origin: germline. Affected: yes.
Comment: Identified with a second ADAR variant in a patient with bilateral striatal necrosis in the published literature, but it is unknown if these variants were present on different chromosomes (in trans) (Livingston et al., 2014); Not observed in large population cohorts (Lek et al., 2016); In silico analysis supports that this missense variant has a deleterious effect on protein structure/function; This variant is associated with the following publications: (PMID: 24262145)